The following is an entry in ClinVar:

ClinVar aggregate classification (germline): Uncertain significance (1 of 4 stars; one submission).

Conditions:
Hereditary cancer-predisposing syndrome. Also called: Neoplastic Syndromes, Hereditary; Tumor predisposition; Hereditary Cancer Syndrome; Hereditary neoplastic syndrome. Identifiers: Orphanet 140162, MedGen C0027672, MeSH D009386, MONDO:0015356.

Submission:

Ambry Genetics
Classification: Uncertain significance for Hereditary cancer-predisposing syndrome. Last evaluated: 2026-05-04. Review status: criteria provided, single submitter. Criteria: Ambry Variant Classification Scheme 2023. Collection method: clinical testing. Allele origin: germline.
Comment: The c.23G>T variant (also known as p.S8I), located in coding exon 1 of the PMS2 gene, results from a G to T substitution at nucleotide position 23. The serine at codon 8 is replaced by isoleucine, an amino acid with dissimilar properties. However, this change occurs in the last base pair of coding exon 8 and may have some effect on normal mRNA splicing. This nucleotide position is highly conserved in available vertebrate species. In silico splice site analysis predicts that this alteration will not have any significant effect on splicing. This amino acid position is highly conserved in available vertebrate species. In addition, as a missense substitution this is predicted to be deleterious by in silico analysis. Based on the available evidence, the clinical significance of this variant remains unclear.

NM_000535.7(PMS2):c.23G>T (p.Ser8Ile)

Gene: PMS2 (PMS1 homolog 2, mismatch repair system component; minus strand). Cytogenetic location: 7p22.1.
Variant type: single nucleotide variant.
Coding change: c.23G>T on transcript NM_000535.7 (MANE Select); coding-DNA position 23, G replaced by T.
Protein change: p.Ser8Ile; replaces serine 8 with isoleucine.
Molecular consequence: missense variant. On other transcripts: 5 prime UTR variant (45), non-coding transcript variant (1).
Genome position (GRCh38, 1-based): chr7:6,008,997, C>A on the plus strand (G>T on the coding strand, the complement: PMS2 is on the minus strand). VCF-style: chr7-6008997-C-A. GRCh37 (hg19) VCF-style: chr7-6048628-C-A.
Other names: c.-378G>T (NM_001322003.2, NM_001322013.2, NM_001406887.1 and 4 more transcripts); c.-243G>T (NM_001322004.2, NM_001322010.2, NM_001406911.1); c.-573G>T (NM_001322005.2); c.23G>T, p.Ser8Ile (NM_001322006.2, NM_001322014.2, NM_001406866.1 and 11 more transcripts); c.-193G>T (NM_001322007.2, NM_001406876.1, NM_001406896.1 and 2 more transcripts); c.-53G>T (NM_001322008.2); c.-568G>T (NM_001322009.2, NM_001406897.1); c.-862G>T (NM_001322011.2); and 19 more; short protein forms S8I.
Identifiers: ClinVar variation 4862113 (VCV004862113.1).